The following is an entry in ClinVar:

ClinVar aggregate classification (germline): Likely pathogenic (1 of 4 stars; one submission).

Conditions:
Early-infantile DEE. Also called: Early infantile epileptic encephalopathy with suppression bursts; Early infantile epileptic encephalopathy; Ohtahara syndrome. Identifiers: Orphanet 1934, MedGen C0393706, MONDO:0800491.

Allele frequency attached by ClinVar (database versions not stated): gnomAD exomes below 0.00001; ExAC 0.00001.
gnomAD v4.1: 1 of 1,605,708 alleles (0.000062%); highest among the groups gnomAD compares: South Asian, 0.0011%; no homozygotes.

Submission:

Labcorp Genetics (formerly Invitae), Labcorp
Classification: Likely pathogenic for Early-infantile DEE. Last evaluated: 2021-09-04. Review status: criteria provided, single submitter. Criteria: Invitae Variant Classification Sherloc (09022015). Collection method: clinical testing. Allele origin: germline.
Comment: In summary, the currently available evidence indicates that the variant is pathogenic, but additional data are needed to prove that conclusively. Therefore, this variant has been classified as Likely Pathogenic. This variant disrupts the p.Gly329 amino acid residue in SCN1A. Other variant(s) that disrupt this residue have been determined to be pathogenic (PMID: 28084635; external communication). This suggests that this residue is clinically significant, and that variants that disrupt this residue are likely to be disease-causing. Advanced modeling of protein sequence and biophysical properties (such as structural, functional, and spatial information, amino acid conservation, physicochemical variation, residue mobility, and thermodynamic stability) performed at Invitae indicates that this missense variant is expected to disrupt SCN1A protein function. This variant has not been reported in the literature in individuals affected with SCN1A-related conditions. This variant is present in population databases (rs779184118, ExAC 0.006%). This sequence change replaces glycine with aspartic acid at codon 329 of the SCN1A protein (p.Gly329Asp). The glycine residue is highly conserved and there is a moderate physicochemical difference between glycine and aspartic acid.

Literature cited by the submitters: PubMed 28084635.

NM_001165963.4(SCN1A):c.986G>A (p.Gly329Asp)

Gene: SCN1A (sodium voltage-gated channel alpha subunit 1; minus strand). Cytogenetic location: 2q24.3.
Variant type: single nucleotide variant.
Coding change: c.986G>A on transcript NM_001165963.4 (MANE Select); coding-DNA position 986, G replaced by A.
Protein change: p.Gly329Asp; replaces glycine 329 with aspartic acid.
Molecular consequence: missense variant. On other transcripts: 5 prime UTR variant (1), non-coding transcript variant (1).
Genome position (GRCh38, 1-based): chr2:166,048,928, C>T on the plus strand (G>A on the coding strand, the complement: SCN1A is on the minus strand). VCF-style: chr2-166048928-C-T. GRCh37 (hg19) VCF-style: chr2-166905438-C-T.
Other names: c.986G>A, p.Gly329Asp (NM_001165964.3, NM_001202435.3, NM_001353948.2 and 10 more transcripts); c.-1440G>A (NM_001353961.2); short protein forms G329D.
Identifiers: ClinVar variation 1483036 (VCV001483036.7), dbSNP rs779184118, ClinGen allele CA1943387.